The following is an entry in ClinVar:

NM_001039958.2(MESP2):c.766del (p.Gln256fs)

Gene: MESP2 (mesoderm posterior bHLH transcription factor 2; plus strand). Cytogenetic location: 15q26.1.
Variant type: Deletion.
Coding change: c.766del on transcript NM_001039958.2 (MANE Select); coding-DNA position 766, one base deleted (C; older notation c.766delC).
Protein change: p.Gln256fs; shifts the reading frame from glutamine 256.
Molecular consequence: frameshift variant.
Genome position (GRCh38, 1-based): chr15:89,777,123, C deleted. VCF-style (leftmost placement, unchanged base first): chr15-89777122-AC-A. GRCh37 (hg19) VCF-style: chr15-90320353-AC-A.
Other names: short protein forms Q256fs.
Identifiers: ClinVar variation 4814580 (VCV004814580.1).

ClinVar aggregate classification (germline): Likely pathogenic (1 of 4 stars; one submission).

Conditions:
Spondylocostal dysostosis 2, autosomal recessive (SCDO2). Also called: MESP2-Related Spondylocostal Dysostosis, Autosomal Recessive; Spondylocostal dysostosis type 2. Identifiers: Orphanet 2311, MedGen C1837549, MONDO:0012097, OMIM 608681.

Submission:

Natera, Inc.
Classification: Likely pathogenic for Spondylocostal dysostosis type 2. Last evaluated: 2024-12-09. Review status: criteria provided, single submitter. Criteria: Natera Variant Classification Schema (03/2026). Collection method: clinical testing. Allele origin: germline.
Comment: The c.766del variant in MESP2 is a frameshift variant predicted to elongate the protein beyond the termination codon. This variant is expected to result in nonsense mediated decay, truncation, or a dysfunctional protein product. This variant is rare in the general population with a frequency below the threshold expected for the associated phenotype(s). Given the available evidence, this variant is classified as Likely Pathogenic.